The following is an entry in ClinVar:

NM_016648.4(LARP7):c.1295-2A>G

Gene: LARP7 (La ribonucleoprotein 7, transcriptional regulator; plus strand). Cytogenetic location: 4q25.
Variant type: single nucleotide variant.
Coding change: c.1295-2A>G on transcript NM_016648.4 (MANE Select); the canonical splice acceptor site of the intron before coding-DNA position 1295, A replaced by G.
Molecular consequence: splice acceptor variant.
Genome position (GRCh38, 1-based): chr4:112,650,459, A>G. VCF-style: chr4-112650459-A-G. GRCh37 (hg19) VCF-style: chr4-113571615-A-G.
Other names: c.1295-2A>G (NM_001267039.4, NM_001370978.1, NM_015454.3); c.1334-2A>G (NM_001370974.1, NM_001370975.1); c.1331-2A>G (NM_001370976.1, NM_001370977.1); c.1292-2A>G (NM_001370979.1, NM_001370980.1); c.1058-2A>G (NM_001370982.1, NM_001370981.1).
Identifiers: ClinVar variation 3233517 (VCV003233517.3), dbSNP rs2048674698, ClinGen allele CA357929321.
Genomic context (GRCh38, chr4:112,650,459, plus strand): 5'-AAGTATTAAATTGTTGTTAAGTGTAAGAGATTTAGTCCTGGTCTTTTTCCTTTTCTAATC[A>G]GCAGCCAACAGGGAAGAGTGTCGCACCCAGGAGAAAGTTAATGCAACAGGACCACAGTTC-3'

ClinVar aggregate classification (germline): Likely pathogenic. Review status: criteria provided, multiple submitters, no conflicts (2 of 4 stars). 2 submissions from 2 submitters: Likely pathogenic (2). Last evaluated 2025-08-03.

Conditions:
Microcephalic primordial dwarfism, Alazami type. Also called: Alazami syndrome; FACIAL DYSMORPHISM, INTELLECTUAL DISABILITY, AND PRIMORDIAL DWARFISM. Identifiers: Orphanet 319671, MedGen C3554439, MONDO:0014031, OMIM 615071.

Submissions (2):

Labcorp Genetics (formerly Invitae), Labcorp
Classification: Likely pathogenic. Last evaluated: 2025-08-03. Review status: criteria provided, single submitter. Criteria: Invitae Variant Classification Sherloc (09022015). Collection method: clinical testing. Allele origin: germline.
Comment: This sequence change affects an acceptor splice site in intron 9 of the LARP7 gene. It is expected to disrupt RNA splicing. Variants that disrupt the donor or acceptor splice site typically lead to a loss of protein function (PMID: 16199547), and loss-of-function variants in LARP7 are known to be pathogenic (PMID: 22865833, 26374271, 26607181). This variant is not present in population databases (gnomAD no frequency). This variant has not been reported in the literature in individuals affected with LARP7-related conditions. ClinVar contains an entry for this variant (Variation ID: 3233517). Algorithms developed to predict the effect of sequence changes on RNA splicing suggest that this variant may disrupt the consensus splice site. In summary, the currently available evidence indicates that the variant is pathogenic, but additional data are needed to prove that conclusively. Therefore, this variant has been classified as Likely Pathogenic.

Women's Health and Genetics/Laboratory Corporation of America, LabCorp
Classification: Likely pathogenic for Microcephalic primordial dwarfism, Alazami type. Last evaluated: 2024-03-11. Review status: criteria provided, single submitter. Criteria: LabCorp Variant Classification Summary - May 2015. Collection method: clinical testing. Allele origin: germline.
Comment: Variant summary: LARP7 c.1295-2A>G is located in a canonical splice-site and is predicted to affect mRNA splicing resulting in a significantly altered protein due to either exon skipping, shortening, or inclusion of intronic material. Several computational tools predict a significant impact on normal splicing: Four predict the variant abolishes a 3' acceptor site. However, these predictions have yet to be confirmed by functional studies. The variant was absent in 250920 control chromosomes. To our knowledge, no occurrence of c.1295-2A>G in individuals affected with Microcephalic Primordial Dwarfism, Alazami Type and no experimental evidence demonstrating its impact on protein function have been reported. No submitters have cited clinical-significance assessments for this variant to ClinVar. Based on the evidence outlined above, the variant was classified as likely pathogenic.

Literature cited by the submitters: PubMed 16199547 (cited by Labcorp Genetics (formerly Invitae), Labcorp); PubMed 22865833 (cited by Labcorp Genetics (formerly Invitae), Labcorp); PubMed 26374271 (cited by Labcorp Genetics (formerly Invitae), Labcorp); PubMed 26607181 (cited by Labcorp Genetics (formerly Invitae), Labcorp).